The following is an entry in ClinVar:

NM_139137.4(KCNC2):c.763A>G (p.Asn255Asp)

Gene: KCNC2 (potassium voltage-gated channel subfamily C member 2; minus strand). Cytogenetic location: 12q21.1.
Variant type: single nucleotide variant.
Coding change: c.763A>G on transcript NM_139137.4 (MANE Select); coding-DNA position 763, A replaced by G.
Protein change: p.Asn255Asp; replaces asparagine 255 with aspartic acid.
Molecular consequence: missense variant. On other transcripts: non-coding transcript variant (2).
Genome position (GRCh38, 1-based): chr12:75,051,242, T>C on the plus strand (A>G on the coding strand, the complement: KCNC2 is on the minus strand). VCF-style: chr12-75051242-T-C. GRCh37 (hg19) VCF-style: chr12-75445022-T-C.
Other names: c.763A>G, p.Asn255Asp (NM_001414197.1, NM_001414198.1, NM_001414199.1 and 13 more transcripts); short protein forms N255D.
Identifiers: ClinVar variation 4538736 (VCV004538736.1).
Genomic context (GRCh38, chr12:75,051,242, plus strand): 5'-CATACTGTAGAACAACACTTGTGCCATTGATGACTGGTTCTGTCTTGTTTTTAACAATAT[T>C]GAAAGCTTCATGTGTTTCCAGGCAAAAAGTTGTAATTGAAACCAGGATGAAGAATAAAGA-3'
Protein context (NP_631875.1, residues 245-265): TFCLETHEAF[Asn255Asp]IVKNKTEPVI

ClinVar aggregate classification (germline): Uncertain significance (1 of 4 stars; one submission).

Submission:

GeneDx
Classification: Uncertain significance. Last evaluated: 2025-06-17. Review status: criteria provided, single submitter. Criteria: GeneDx Variant Classification Process June 2021. Collection method: clinical testing. Allele origin: germline. Affected: yes.
Comment: Not observed at significant frequency in large population cohorts (gnomAD); In silico analysis supports that this missense variant has a deleterious effect on protein structure/function; Has not been previously published as pathogenic or benign to our knowledge